The following is an entry in ClinVar:

ClinVar aggregate classification (germline): Uncertain significance (1 of 4 stars; one submission).

Conditions:
Inborn genetic diseases. Identifiers: MedGen C0950123, MeSH D030342.

gnomAD v4.1: 4 of 1,613,622 alleles (0.00025%); highest among the groups gnomAD compares: Non-Finnish European, 0.00034%; no homozygotes.

Submission:

Ambry Genetics
Classification: Uncertain significance for Inborn genetic diseases. Last evaluated: 2025-08-08. Review status: criteria provided, single submitter. Criteria: Ambry Variant Classification Scheme 2023. Collection method: clinical testing. Allele origin: germline.
Comment: The p.A180T variant (also known as c.538G>A), located in coding exon 4 of the MECOM gene, results from a G to A substitution at nucleotide position 538. The alanine at codon 180 is replaced by threonine, an amino acid with similar properties. This amino acid position is conserved. In addition, this alteration is predicted to be tolerated by in silico analysis. Based on the available evidence, the clinical significance of this variant remains unclear.

NM_004991.4(MECOM):c.538G>A (p.Ala180Thr)

Gene: MECOM (MDS1 and EVI1 complex locus; minus strand). Cytogenetic location: 3q26.2.
Variant type: single nucleotide variant.
Coding change: c.538G>A on transcript NM_004991.4 (MANE Select); coding-DNA position 538, G replaced by A.
Protein change: p.Ala180Thr; replaces alanine 180 with threonine.
Molecular consequence: missense variant. On other transcripts: 5 prime UTR variant (12).
Genome position (GRCh38, 1-based): chr3:169,131,504, C>T on the plus strand (G>A on the coding strand, the complement: MECOM is on the minus strand). VCF-style: chr3-169131504-C-T. GRCh37 (hg19) VCF-style: chr3-168849292-C-T.
Other names: c.166G>A, p.Ala56Thr (NM_001105077.4); c.-27G>A (NM_001105078.4, NM_001163999.2, NM_001164000.2 and 9 more transcripts); c.538G>A, p.Ala180Thr (NM_001366466.2, NM_001366473.2); short protein forms A180T, A56T.
Identifiers: ClinVar variation 4105835 (VCV004105835.1).